The following is an entry in ClinVar:

NM_000836.4(GRIN2D):c.2154G>A (p.Thr718=)

Gene: GRIN2D (glutamate ionotropic receptor NMDA type subunit 2D; plus strand). Cytogenetic location: 19q13.33.
Variant type: single nucleotide variant.
Coding change: c.2154G>A on transcript NM_000836.4 (MANE Select); coding-DNA position 2154, G replaced by A.
Protein change: p.Thr718=; no amino-acid change (threonine 718 retained).
Molecular consequence: synonymous variant.
Genome position (GRCh38, 1-based): chr19:48,421,847, G>A. VCF-style: chr19-48421847-G-A. GRCh37 (hg19) VCF-style: chr19-48925104-G-A.
Other names: c.2154G>A (NM_000836.2).
Identifiers: ClinVar variation 1472722 (VCV001472722.7), dbSNP rs752001097, ClinGen allele CA9550673.
Genomic context (GRCh38, chr19:48,421,847, plus strand): 5'-CCAGAGGCCCCAGGAGCAGTACCCGCCCCTGAAGTTTGGGACCGTGCCCAACGGCTCCAC[G>A]GAGAAGAACATCCGCAGCAACTATCCCGACATGCACAGCTACATGGTGCGCTACAACCAG-3'
Protein context (NP_000827.2, residues 708-728): LKFGTVPNGS[Thr718=]EKNIRSNYPD

ClinVar aggregate classification (germline): Likely benign. Review status: criteria provided, multiple submitters, no conflicts (2 of 4 stars). 2 submissions from 2 submitters: Likely benign (2). Last evaluated 2025-01-22.

Conditions:
GRIN2D-related disorder. Also called: GRIN2D-related condition.

Allele frequency attached by ClinVar (database versions not stated): gnomAD 0.00001; ExAC 0.00002; TOPMed 0.00003; gnomAD exomes 0.00004 and 0.00009.
gnomAD v4.1: 124 of 1,613,974 alleles (0.0077%); highest among the groups gnomAD compares: Middle Eastern, 0.016%; no homozygotes.

Submissions (2):

PreventionGenetics, part of Exact Sciences
Classification: Likely benign for GRIN2D-related condition. Last evaluated: 2025-01-22. Review status: criteria provided, single submitter. Criteria: ACMG Guidelines, 2015. Collection method: clinical testing. Allele origin: germline.
Comment: This variant is classified as likely benign based on ACMG/AMP sequence variant interpretation guidelines (Richards et al. 2015 PMID: 25741868, with internal and published modifications).

Labcorp Genetics (formerly Invitae), Labcorp
Classification: Likely benign. Last evaluated: 2024-07-31. Review status: criteria provided, single submitter. Criteria: Invitae Variant Classification Sherloc (09022015). Collection method: clinical testing. Allele origin: germline.